The following is an entry in ClinVar:

ClinVar aggregate classification (germline): Uncertain significance. Review status: criteria provided, multiple submitters, no conflicts (2 of 4 stars). 3 submissions from 3 submitters: Uncertain significance (3). Last evaluated 2022-08-10.

Conditions:
Multiple mitochondrial dysfunctions syndrome 3 (MMDS3). Identifiers: Orphanet 363424, MedGen C3809165, MONDO:0014132, OMIM 615330.
Hereditary spastic paraplegia 74. Also called: Spastic paraplegia 74, autosomal recessive. Identifiers: Orphanet 468661, MedGen C5568837, MONDO:0014644, OMIM 616451.

gnomAD v4.1: 22 of 1,595,486 alleles (0.0014%); highest among the groups gnomAD compares: East Asian, 0.013%; no homozygotes.

Submissions (3):

Labcorp Genetics (formerly Invitae), Labcorp
Classification: Uncertain significance for Multiple mitochondrial dysfunctions syndrome 3; Hereditary spastic paraplegia 74. Last evaluated: 2022-08-10. Review status: criteria provided, single submitter. Criteria: Invitae Variant Classification Sherloc (09022015). Collection method: clinical testing. Allele origin: germline.
Comment: This sequence change replaces alanine, which is neutral and non-polar, with serine, which is neutral and polar, at codon 345 of the IBA57 protein (p.Ala345Ser). This variant is present in population databases (rs150912462, gnomAD 0.03%). This variant has not been reported in the literature in individuals affected with IBA57-related conditions. ClinVar contains an entry for this variant (Variation ID: 1162908). Algorithms developed to predict the effect of missense changes on protein structure and function are either unavailable or do not agree on the potential impact of this missense change (SIFT: "Tolerated"; PolyPhen-2: "Possibly Damaging"; Align-GVGD: "Class C0"). In summary, the available evidence is currently insufficient to determine the role of this variant in disease. Therefore, it has been classified as a Variant of Uncertain Significance.

GeneDx
Classification: Uncertain significance. Last evaluated: 2022-03-24. Review status: criteria provided, single submitter. Criteria: GeneDx Variant Classification Process June 2021. Collection method: clinical testing. Allele origin: germline. Affected: yes.
Comment: In silico analysis supports that this missense variant does not alter protein structure/function; Has not been previously published as pathogenic or benign to our knowledge

Mayo Clinic Laboratories, Mayo Clinic
Classification: Uncertain significance. Last evaluated: 2019-04-03. Review status: criteria provided, single submitter. Criteria: ACMG Guidelines, 2015. Collection method: clinical testing. Allele origin: germline. Observed: 1 variant allele.

NM_001010867.4(IBA57):c.1033G>T (p.Ala345Ser)

Gene: IBA57 (iron-sulfur cluster assembly factor IBA57; plus strand). Cytogenetic location: 1q42.13.
Variant type: single nucleotide variant.
Coding change: c.1033G>T on transcript NM_001010867.4 (MANE Select); coding-DNA position 1033, G replaced by T.
Protein change: p.Ala345Ser; replaces alanine 345 with serine.
Molecular consequence: missense variant.
Genome position (GRCh38, 1-based): chr1:228,175,475, G>T. VCF-style: chr1-228175475-G-T. GRCh37 (hg19) VCF-style: chr1-228363176-G-T.
Other names: c.454G>T, p.Ala152Ser (NM_001310327.2); short protein forms A152S, A345S.
Identifiers: ClinVar variation 1162908 (VCV001162908.8), dbSNP rs150912462, ClinGen allele CA1431315.